The following is an entry in ClinVar:

ClinVar aggregate classification (germline): Conflicting classifications of pathogenicity. Review status: criteria provided, conflicting classifications (1 of 4 stars). 2 submissions from 2 submitters: Uncertain significance (1); Benign (1). Last evaluated 2025-07-27.

Conditions:
Osteogenesis imperfecta type I (OI1). Also called: OI, TYPE I; OSTEOGENESIS IMPERFECTA TARDA; OSTEOGENESIS IMPERFECTA WITH BLUE SCLERAE; Lobstein's Disease; Osteogenesis imperfecta type 1; Lobstein disease. Identifiers: Orphanet 216796, Orphanet 666, MedGen C0023931, MONDO:0008146, OMIM 166200. Disease mechanism: loss of function.

Allele frequency attached by ClinVar (database versions not stated): gnomAD exomes below 0.00001.
gnomAD v4.1: 2 of 1,614,164 alleles (0.00012%); highest among the groups gnomAD compares: African/African-American, 0.0013%; no homozygotes.

Submissions (2):

GeneDx
Classification: Uncertain significance. Last evaluated: 2025-07-27. Review status: criteria provided, single submitter. Criteria: GeneDx Variant Classification Process June 2021. Collection method: clinical testing. Allele origin: germline. Affected: yes.
Comment: Not observed at significant frequency in large population cohorts (gnomAD); In silico analysis suggests that this missense variant does not alter protein structure/function; Has not been previously published as pathogenic or benign to our knowledge; Not located in the triple helical region, where the majority of pathogenic missense variants occur (HGMD)

Labcorp Genetics (formerly Invitae), Labcorp
Classification: Benign for Osteogenesis imperfecta type I. Last evaluated: 2023-07-07. Review status: criteria provided, single submitter. Criteria: Invitae Variant Classification Sherloc (09022015). Collection method: clinical testing. Allele origin: germline.

NM_000088.4(COL1A1):c.143A>G (p.His48Arg)

Gene: COL1A1 (collagen type I alpha 1 chain; minus strand). Cytogenetic location: 17q21.33.
Variant type: single nucleotide variant.
Coding change: c.143A>G on transcript NM_000088.4 (MANE Select); coding-DNA position 143, A replaced by G.
Protein change: p.His48Arg; replaces histidine 48 with arginine.
Molecular consequence: missense variant.
Genome position (GRCh38, 1-based): chr17:50,199,908, T>C on the plus strand (A>G on the coding strand, the complement: COL1A1 is on the minus strand). VCF-style: chr17-50199908-T-C. GRCh37 (hg19) VCF-style: chr17-48277269-T-C.
Other names: short protein forms H48R.
Identifiers: ClinVar variation 862424 (VCV000862424.11), dbSNP rs1273874412, ClinGen allele CA400228597.